The following is an entry in ClinVar:

NM_001171.6(ABCC6):c.2954C>A (p.Ala985Asp)

Gene: ABCC6 (ATP binding cassette subfamily C member 6; minus strand). Cytogenetic location: 16p13.11.
Variant type: single nucleotide variant.
Coding change: c.2954C>A on transcript NM_001171.6 (MANE Select); coding-DNA position 2954, C replaced by A.
Protein change: p.Ala985Asp; replaces alanine 985 with aspartic acid.
Molecular consequence: missense variant. On other transcripts: non-coding transcript variant (1).
Genome position (GRCh38, 1-based): chr16:16,169,687, G>T on the plus strand (C>A on the coding strand, the complement: ABCC6 is on the minus strand). VCF-style: chr16-16169687-G-T. GRCh37 (hg19) VCF-style: chr16-16263544-G-T.
Other names: c.2612C>A, p.Ala871Asp (NM_001351800.1); short protein forms A871D, A985D.
Identifiers: ClinVar variation 3771602 (VCV003771602.13).

ClinVar aggregate classification (germline): Uncertain significance (1 of 4 stars; one submission).

gnomAD v4.1: 6 of 1,611,418 alleles (0.00037%); highest among the groups gnomAD compares: East Asian, 0.0067%; no homozygotes.

Submission:

CeGaT Center for Human Genetics Tuebingen
Classification: Uncertain significance. Last evaluated: 2025-01-01. Review status: criteria provided, single submitter. Criteria: CeGaT Center For Human Genetics Tuebingen Variant Classification Criteria Version 2. Collection method: clinical testing. Allele origin: germline. Affected: yes. Observed: 1 variant allele.
Comment: ABCC6: PM2